The following is an entry in ClinVar:

NM_001319206.4(MEF2A):c.1253AGC[8] (p.Gln426_Gln428del)

Gene: MEF2A (myocyte enhancer factor 2A; plus strand). Cytogenetic location: 15q26.3.
Variant type: Microsatellite.
Coding change: c.1253AGC[8] on transcript NM_001319206.4 (MANE Select); eight copies in a row of the 3-base unit AGC starting at c.1253; the reference has 11 copies in a row; three copies, 9 bases deleted.
Protein change: p.Gln426_Gln428del.
Molecular consequence: inframe deletion.
Genome position (GRCh38, 1-based): chr15:99,712,530-99,712,538, AGCAGCAGC deleted; deleting any 9 consecutive bases within chr15:99,712,505-99,712,538 gives the same sequence; the position shown is the placement nearest the transcript's 3' end. VCF-style (leftmost placement, unchanged base first): chr15-99712504-CCAGCAGCAG-C. GRCh37 (hg19) VCF-style: chr15-100252709-CCAGCAGCAG-C.
Other names: c.1252_1260del (NM_001319206.4); c.1229AGC[8], p.Gln418_Gln420del (NM_001130926.5, NM_001171894.5, NM_001352614.4 and 15 more transcripts); c.1049AGC[8], p.Gln358_Gln360del (NM_001130927.5, NM_001365209.3); c.1025AGC[8], p.Gln350_Gln352del (NM_001130928.4, NM_001393559.2); c.1253AGC[8], p.Gln426_Gln428del (NM_001352616.4, NM_001365205.3, NM_001400031.1 and 5 more transcripts); c.1235AGC[8], p.Gln420_Gln422del (NM_001352617.4, NM_001365207.3, NM_001400038.1 and 8 more transcripts); c.1247AGC[8], p.Gln424_Gln426del (NM_001352618.4, NM_001365206.3, NM_001400037.1); c.1271AGC[8], p.Gln432_Gln434del (NM_001365201.3, NM_001365202.3); and 7 more.
Identifiers: ClinVar variation 5005501 (VCV005005501.2).

ClinVar aggregate classification (germline): Uncertain significance (1 of 4 stars; one submission).

Conditions:
Coronary artery disease, autosomal dominant, 1 (ADCAD1). Also called: CORONARY ARTERY DISEASE WITH MYOCARDIAL INFARCTION. Identifiers: MedGen C1842247, MONDO:0012011, OMIM 608320.

Submission:

Juno Genomics, Hangzhou Juno Genomics, Inc
Classification: Uncertain significance for Coronary artery disease, autosomal dominant, 1. Review status: criteria provided, single submitter. Criteria: ACMG Guidelines, 2015. Collection method: clinical testing. Allele origin: germline.
Comment: Absent from controls (or at extremely low frequency if recessive) in Genome Aggregation Database.;Protein length changes due to in-frame deletions/insertions in a non-repeat region or stop-loss variants.